The following is an entry in ClinVar:

NM_006996.3(SLC19A2):c.1450A>T (p.Lys484Ter)

Gene: SLC19A2 (solute carrier family 19 member 2; minus strand). Cytogenetic location: 1q24.2.
Variant type: single nucleotide variant.
Coding change: c.1450A>T on transcript NM_006996.3 (MANE Select); coding-DNA position 1450, A replaced by T.
Protein change: p.Lys484Ter; replaces lysine 484 with a stop codon.
Molecular consequence: nonsense.
Genome position (GRCh38, 1-based): chr1:169,465,893, T>A on the plus strand (A>T on the coding strand, the complement: SLC19A2 is on the minus strand). VCF-style: chr1-169465893-T-A. GRCh37 (hg19) VCF-style: chr1-169435131-T-A.
Other names: c.847A>T, p.Lys283Ter (NM_001319667.1); short protein forms K283*, K484*.
Identifiers: ClinVar variation 1254417 (VCV001254417.2), dbSNP rs768199279, ClinGen allele CA1232822.

ClinVar aggregate classification (germline): Uncertain significance (1 of 4 stars; one submission).

Allele frequency attached by ClinVar (database versions not stated): gnomAD 0.00001; gnomAD exomes 0.00001 and 0.00003; ExAC 0.00003.
gnomAD v4.1: 21 of 1,613,930 alleles (0.0013%); highest among the groups gnomAD compares: South Asian, 0.023%; no homozygotes.

Submission:

GeneDx
Classification: Uncertain significance. Last evaluated: 2021-08-21. Review status: criteria provided, single submitter. Criteria: GeneDx Variant Classification Process June 2021. Collection method: clinical testing. Allele origin: germline. Affected: yes.
Comment: Nonsense variant predicted to result in protein truncation, although loss-of-function variants have not been reported downstream of this position in the protein; Has not been previously published as pathogenic or benign to our knowledge